The following is an entry in ClinVar:

NM_000095.3(COMP):c.588G>A (p.Val196=)

Gene: COMP (cartilage oligomeric matrix protein; minus strand). Cytogenetic location: 19p13.11.
Variant type: single nucleotide variant.
Coding change: c.588G>A on transcript NM_000095.3 (MANE Select); coding-DNA position 588, G replaced by A.
Protein change: p.Val196=; no amino-acid change (valine 196 retained).
Molecular consequence: synonymous variant.
Genome position (GRCh38, 1-based): chr19:18,788,854, C>T on the plus strand (G>A on the coding strand, the complement: COMP is on the minus strand). VCF-style: chr19-18788854-C-T. GRCh37 (hg19) VCF-style: chr19-18899663-C-T.
Identifiers: ClinVar variation 328620 (VCV000328620.5), dbSNP rs201165293, ClinGen allele CA9316683.
Genomic context (GRCh38, chr19:18,788,854, plus strand): 5'-CGCCCCACCTCCCGCGATCCTTTCTTCCTCCCCAGCGGGCCTTACCCGGGTGTTGATGCA[C>T]ACGGAGTTGGGGACGCAGTTATGTTGCCCGGTCTCACACTCGTTGATGTCCGTGCAAACC-3'
Protein context (NP_000086.2, residues 186-206): TGQHNCVPNS[Val196=]CINTRGSFQC

ClinVar aggregate classification (germline): Likely benign. Review status: criteria provided, single submitter (1 of 4 stars). 2 submissions from 1 submitter: Likely benign (2). Last evaluated 2018-01-12.

Conditions:
Multiple epiphyseal dysplasia type 1. Also called: COMP-Related Multiple Epiphyseal Dysplasia. Identifiers: Orphanet 93308, MedGen C1838280, MONDO:0007561, OMIM 132400.
Pseudoachondroplastic spondyloepiphyseal dysplasia syndrome (PSACH). Also called: COMP-Related Pseudoachondroplasia; PSEUDOACHONDROPLASTIC DYSPLASIA; Pseudoachondroplasia. Identifiers: Orphanet 750, MedGen C0410538, MONDO:0008322, OMIM 177170.

Allele frequency attached by ClinVar (database versions not stated): gnomAD exomes below 0.00001 and 0.00002; gnomAD 0.00001 and 0.00003; TOPMed 0.00002; ExAC 0.00003; 1000 Genomes Project 30x 0.00031; 1000 Genomes Project 0.00040.

Submissions (2):

Illumina Laboratory Services, Illumina
Classification: Likely benign for Multiple epiphyseal dysplasia type 1. Last evaluated: 2018-01-12. Review status: criteria provided, single submitter. Criteria: ICSL Variant Classification Criteria 13 December 2019. Collection method: clinical testing. Allele origin: germline.
Comment: This variant was observed in the ICSL laboratory as part of a predisposition screen in an ostensibly healthy population. It had not been previously curated by ICSL or reported in the Human Gene Mutation Database (HGMD: prior to June 1st, 2018), and was therefore a candidate for classification through an automated scoring system. Utilizing variant allele frequency, disease prevalence and penetrance estimates, and inheritance mode, an automated score was calculated to assess if this variant is too frequent to cause the disease. Based on the score and internal cut-off values, a variant classified as likely benign is not then subjected to further curation. The score for this variant resulted in a classification of likely benign for this disease.

Illumina Laboratory Services, Illumina
Classification: Likely benign for Pseudoachondroplastic spondyloepiphyseal dysplasia syndrome. Last evaluated: 2018-01-12. Review status: criteria provided, single submitter. Criteria: ICSL Variant Classification Criteria 13 December 2019. Collection method: clinical testing. Allele origin: germline.
Comment: the same text as in the submission from Illumina Laboratory Services, Illumina above.